The following is an entry in ClinVar:

ClinVar aggregate classification (germline): Likely benign. Review status: criteria provided, multiple submitters, no conflicts (2 of 4 stars). 2 submissions from 2 submitters: Likely benign (2). Last evaluated 2025-11-12.

Conditions:
CACNA1F-related disorder. Also called: CACNA1F-related condition.

Allele frequency attached by ClinVar (database versions not stated): gnomAD exomes below 0.00001; gnomAD 0.00002; TOPMed 0.00002.
gnomAD v4.1: 3 of 1,200,773 alleles (0.00025%); highest among the groups gnomAD compares: Non-Finnish European, 0.00034%; no homozygotes.

Submissions (2):

PreventionGenetics, part of Exact Sciences
Classification: Likely benign for CACNA1F-related condition. Last evaluated: 2025-11-12. Review status: criteria provided, single submitter. Criteria: ACMG Guidelines, 2015. Collection method: clinical testing. Allele origin: germline.
Comment: This variant is classified as likely benign based on ACMG/AMP sequence variant interpretation guidelines (Richards et al. 2015 PMID: 25741868, with internal and published modifications).

Labcorp Genetics (formerly Invitae), Labcorp
Classification: Likely benign. Last evaluated: 2025-09-18. Review status: criteria provided, single submitter. Criteria: Invitae Variant Classification Sherloc (09022015). Collection method: clinical testing. Allele origin: germline.

NM_001256789.3(CACNA1F):c.828G>A (p.Ala276=)

Gene: CACNA1F (calcium voltage-gated channel subunit alpha1 F; minus strand). Cytogenetic location: Xp11.23.
Variant type: single nucleotide variant.
Coding change: c.828G>A on transcript NM_001256789.3 (MANE Select); coding-DNA position 828, G replaced by A.
Protein change: p.Ala276=; no amino-acid change (alanine 276 retained).
Molecular consequence: synonymous variant.
Genome position (GRCh38, 1-based): chrX:49,228,437, C>T on the plus strand (G>A on the coding strand, the complement: CACNA1F is on the minus strand). VCF-style: chrX-49228437-C-T. GRCh37 (hg19) VCF-style: chrX-49084899-C-T.
Other names: c.633G>A, p.Ala211= (NM_001256790.3); c.828G>A, p.Ala276= (NM_005183.4); c.828G>A (NM_005183.3).
Identifiers: ClinVar variation 2868543 (VCV002868543.4), dbSNP rs782345338, ClinGen allele CA10411008.